The following is an entry in ClinVar:

ClinVar aggregate classification (germline): Uncertain significance (1 of 4 stars; one submission).

Allele frequency attached by ClinVar (database versions not stated): gnomAD exomes below 0.00001.
gnomAD v4.1: 2 of 1,486,324 alleles (0.00013%); highest among the groups gnomAD compares: South Asian, 0.0012%; no homozygotes.

Submission:

GeneDx
Classification: Uncertain significance. Last evaluated: 2022-11-07. Review status: criteria provided, single submitter. Criteria: GeneDx Variant Classification Process June 2021. Collection method: clinical testing. Allele origin: germline. Affected: yes.
Comment: Not observed at significant frequency in large population cohorts (gnomAD); Has not been previously published as pathogenic or benign to our knowledge

NM_152490.5(B3GALNT2):c.-2C>T

Gene: B3GALNT2 (beta-1,3-N-acetylgalactosaminyltransferase 2; minus strand). Cytogenetic location: 1q42.3.
Variant type: single nucleotide variant.
Coding change: c.-2C>T on transcript NM_152490.5 (MANE Select); 2 bases upstream of the start codon, C replaced by T.
Molecular consequence: 5 prime UTR variant.
Genome position (GRCh38, 1-based): chr1:235,504,254, G>A on the plus strand (C>T on the coding strand, the complement: B3GALNT2 is on the minus strand). VCF-style: chr1-235504254-G-A. GRCh37 (hg19) VCF-style: chr1-235667554-G-A.
Other names: c.-2C>T (NM_001277155.3).
Identifiers: ClinVar variation 2501513 (VCV002501513.1), dbSNP rs2527424866, ClinGen allele CA2580611563.